The following is an entry in ClinVar:

ClinVar aggregate classification (germline): Uncertain significance. Review status: criteria provided, multiple submitters, no conflicts (2 of 4 stars). 2 submissions from 2 submitters: Uncertain significance (2). Last evaluated 2022-11-01.

Conditions:
Inborn genetic diseases. Identifiers: MedGen C0950123, MeSH D030342.

Allele frequency attached by ClinVar (database versions not stated): gnomAD 0.00001; TOPMed 0.00001; ExAC 0.00002; gnomAD exomes 0.00002.
gnomAD v4.1: 34 of 1,613,998 alleles (0.0021%); highest among the groups gnomAD compares: East Asian, 0.022%; no homozygotes.

Submissions (2):

Labcorp Genetics (formerly Invitae), Labcorp
Classification: Uncertain significance. Last evaluated: 2022-11-01. Review status: criteria provided, single submitter. Criteria: Invitae Variant Classification Sherloc (09022015). Collection method: clinical testing. Allele origin: germline.
Comment: ClinVar contains an entry for this variant (Variation ID: 1419800). In summary, the available evidence is currently insufficient to determine the role of this variant in disease. Therefore, it has been classified as a Variant of Uncertain Significance. Algorithms developed to predict the effect of missense changes on protein structure and function are either unavailable or do not agree on the potential impact of this missense change (SIFT: "Not Available"; PolyPhen-2: "Possibly Damaging"; Align-GVGD: "Not Available"). This variant has not been reported in the literature in individuals affected with RIPK1-related conditions. This variant is present in population databases (rs774996232, gnomAD 0.006%). This sequence change replaces alanine, which is neutral and non-polar, with valine, which is neutral and non-polar, at codon 64 of the RIPK1 protein (p.Ala64Val).

Ambry Genetics
Classification: Uncertain significance for Inborn genetic diseases. Last evaluated: 2021-06-18. Review status: criteria provided, single submitter. Criteria: Ambry Variant Classification Scheme 2023. Collection method: clinical testing. Allele origin: germline.

NM_001354930.2(RIPK1):c.191C>T (p.Ala64Val)

Gene: RIPK1 (receptor interacting serine/threonine kinase 1; plus strand). Cytogenetic location: 6p25.2.
Variant type: single nucleotide variant.
Coding change: c.191C>T on transcript NM_001354930.2 (MANE Select); coding-DNA position 191, C replaced by T.
Protein change: p.Ala64Val; replaces alanine 64 with valine.
Molecular consequence: missense variant. On other transcripts: 5 prime UTR variant (4).
Genome position (GRCh38, 1-based): chr6:3,077,805, C>T. VCF-style: chr6-3077805-C-T. GRCh37 (hg19) VCF-style: chr6-3078039-C-T.
Other names: c.-413C>T (NM_001317061.3, NM_001354932.2, NM_001354933.2 and 1 more transcripts); c.191C>T, p.Ala64Val (NM_001354931.2, NM_003804.6); c.191C>T (NM_003804.3); short protein forms A64V.
Identifiers: ClinVar variation 1419800 (VCV001419800.9), dbSNP rs774996232, ClinGen allele CA3618113.